The following is an entry in ClinVar:

ClinVar aggregate classification (germline): Uncertain significance (1 of 4 stars; one submission).

Allele frequency attached by ClinVar (database versions not stated): ExAC 0.00001; gnomAD 0.00001; gnomAD exomes 0.00001.
gnomAD v4.1: 7 of 1,614,026 alleles (0.00043%); highest among the groups gnomAD compares: East Asian, 0.016%; no homozygotes.

Submission:

Labcorp Genetics (formerly Invitae), Labcorp
Classification: Uncertain significance. Last evaluated: 2022-04-22. Review status: criteria provided, single submitter. Criteria: Invitae Variant Classification Sherloc (09022015). Collection method: clinical testing. Allele origin: germline.
Comment: This variant is present in population databases (rs762909095, gnomAD 0.01%). This sequence change replaces threonine, which is neutral and polar, with alanine, which is neutral and non-polar, at codon 225 of the CA4 protein (p.Thr225Ala). This variant has not been reported in the literature in individuals affected with CA4-related conditions. Algorithms developed to predict the effect of missense changes on protein structure and function are either unavailable or do not agree on the potential impact of this missense change (SIFT: "Not Available"; PolyPhen-2: "Probably Damaging"; Align-GVGD: "Not Available"). In summary, the available evidence is currently insufficient to determine the role of this variant in disease. Therefore, it has been classified as a Variant of Uncertain Significance.

NM_000717.5(CA4):c.673A>G (p.Thr225Ala)

Gene: CA4 (carbonic anhydrase 4; plus strand). Cytogenetic location: 17q23.1.
Variant type: single nucleotide variant.
Coding change: c.673A>G on transcript NM_000717.5 (MANE Select); coding-DNA position 673, A replaced by G.
Protein change: p.Thr225Ala; replaces threonine 225 with alanine.
Molecular consequence: missense variant. On other transcripts: non-coding transcript variant (1).
Genome position (GRCh38, 1-based): chr17:60,158,375, A>G. VCF-style: chr17-60158375-A-G. GRCh37 (hg19) VCF-style: chr17-58235736-A-G.
Other names: short protein forms T225A.
Identifiers: ClinVar variation 2129064 (VCV002129064.4), dbSNP rs762909095, ClinGen allele CA8685479.